The following is an entry in ClinVar:

NM_000019.4(ACAT1):c.*179T>G

Gene: ACAT1 (acetyl-CoA acetyltransferase 1; plus strand). Cytogenetic location: 11q22.3.
Variant type: single nucleotide variant.
Coding change: c.*179T>G on transcript NM_000019.4 (MANE Select); 179 bases downstream of the stop codon, T replaced by G.
Molecular consequence: 3 prime UTR variant.
Genome position (GRCh38, 1-based): chr11:108,147,569, T>G. VCF-style: chr11-108147569-T-G. GRCh37 (hg19) VCF-style: chr11-108018296-T-G.
Other names: c.*179T>G (LRG_1400t1).
Identifiers: ClinVar variation 302214 (VCV000302214.6), dbSNP rs114728153, ClinGen allele CA10636978.

ClinVar aggregate classification (germline): Benign. Review status: criteria provided, multiple submitters, no conflicts (2 of 4 stars). 2 submissions from 2 submitters: Benign (2). Last evaluated 2018-01-12.

Conditions:
Deficiency of acetyl-CoA acetyltransferase. Also called: Beta-ketothiolase deficiency; 3-KETOTHIOLASE DEFICIENCY; 3-OXOTHIOLASE DEFICIENCY; MITOCHONDRIAL ACETOACETYL-CoA THIOLASE DEFICIENCY. Identifiers: Orphanet 134, MedGen C1536500, MONDO:0008760, OMIM 203750. Disease mechanism: loss of function.

Allele frequency attached by ClinVar (database versions not stated): gnomAD 0.01215 and 0.01290; TOPMed 0.01350; 1000 Genomes Project 0.01538.
gnomAD v4.1: 2,688 of 857,896 alleles (0.31%); highest among the groups gnomAD compares: African/African-American, 4.2%; 57 homozygotes.

Submissions (2):

Illumina Laboratory Services, Illumina
Classification: Benign for Deficiency of acetyl-CoA acetyltransferase. Last evaluated: 2018-01-12. Review status: criteria provided, single submitter. Criteria: ICSL Variant Classification Criteria 13 December 2019. Collection method: clinical testing. Allele origin: germline.
Comment: This variant was observed in the ICSL laboratory as part of a predisposition screen in an ostensibly healthy population. It had not been previously curated by ICSL or reported in the Human Gene Mutation Database (HGMD: prior to June 1st, 2018), and was therefore a candidate for classification through an automated scoring system. Utilizing variant allele frequency, disease prevalence and penetrance estimates, and inheritance mode, an automated score was calculated to assess if this variant is too frequent to cause the disease. Based on the score and internal cut-off values, a variant classified as benign is not then subjected to further curation. The score for this variant resulted in a classification of benign for this disease.

Breakthrough Genomics
Classification: Benign. Review status: criteria provided, single submitter. Criteria: ACMG Guidelines, 2015. Collection method: not provided. Allele origin: germline. Inheritance: Autosomal recessive inheritance. Affected: yes.